The following is an entry in ClinVar:

NM_003482.4(KMT2D):c.14644-3C>G

Gene: KMT2D (lysine methyltransferase 2D; minus strand). Cytogenetic location: 12q13.12.
Variant type: single nucleotide variant.
Coding change: c.14644-3C>G on transcript NM_003482.4 (MANE Select); 3 bases into the intron before coding-DNA position 14644, C replaced by G.
Molecular consequence: intron variant.
Genome position (GRCh38, 1-based): chr12:49,027,325, G>C on the plus strand (C>G on the coding strand, the complement: KMT2D is on the minus strand). VCF-style: chr12-49027325-G-C. GRCh37 (hg19) VCF-style: chr12-49421108-G-C.
Identifiers: ClinVar variation 463009 (VCV000463009.3), dbSNP rs1555186093, ClinGen allele CA658658150.

ClinVar aggregate classification (germline): Conflicting classifications of pathogenicity. Review status: criteria provided, conflicting classifications (1 of 4 stars). 2 submissions from 2 submitters: Pathogenic (1); Uncertain significance (1). Last evaluated 2022-08-08.

Conditions:
Kabuki syndrome. Also called: Kabuki make-up syndrome; NIIKAWA-KUROKI SYNDROME. Identifiers: Orphanet 2322, MedGen C0796004, MONDO:0016512.

Submissions (2):

GeneDx
Classification: Pathogenic. Last evaluated: 2022-08-08. Review status: criteria provided, single submitter. Criteria: GeneDx Variant Classification Process June 2021. Collection method: clinical testing. Allele origin: germline. Affected: yes.
Comment: Non-canonical splice site variant demonstrated to result in loss of function (Micale L et al., 2014); Not observed at significant frequency in large population cohorts (gnomAD); This variant is associated with the following publications: (PMID: 24633898)

Labcorp Genetics (formerly Invitae), Labcorp
Classification: Uncertain significance for Kabuki syndrome. Last evaluated: 2017-01-18. Review status: criteria provided, single submitter. Criteria: Invitae Variant Classification Sherloc (09022015). Collection method: clinical testing. Allele origin: germline.
Comment: This sequence change falls in intron 47 of the KMT2D gene. It does not directly change the encoded amino acid sequence of the KMT2D protein, but it affects a nucleotide within the consensus splice site of the intron. This variant is not present in population databases (ExAC no frequency). This variant has been shown to arise de novo in an individual affected with Kabuki syndrome (PMID: 24633898). Experimental studies have shown that this variant disrupts splicing, leading to the partial deletion of exon 48 and causing a downstream frameshift and subsequent premature stop codon (PMID: 24633898). In summary, this is a rare intronic change that has been seen in an affected individual and has been shown to disrupt splicing. However, without additional functional and/or genetic data, this variant has been classified as a Variant of Uncertain Significance.

Literature cited by the submitters: PubMed 24633898 (cited by Labcorp Genetics (formerly Invitae), Labcorp).